The following is an entry in ClinVar:

ClinVar aggregate classification (germline): Conflicting classifications of pathogenicity. Review status: criteria provided, conflicting classifications (1 of 4 stars). 2 submissions from 2 submitters: Uncertain significance (1); Benign (1). Last evaluated 2025-05-21.

Conditions:
Cutis laxa, X-linked (OHS). Also called: EDS IX; Occipital horn syndrome. Identifiers: Orphanet 198, MedGen C0268353, MONDO:0010572, OMIM 304150.
X-linked distal spinal muscular atrophy type 3. Also called: SPINAL MUSCULAR ATROPHY, DISTAL, X-LINKED RECESSIVE; ATP7A-Related Distal Motor Neuropathy; NEURONOPATHY, DISTAL HEREDITARY MOTOR, X-LINKED; NEUROPATHY, DISTAL HEREDITARY MOTOR, X-LINKED. Identifiers: Orphanet 139557, MedGen C1845359, MONDO:0010338, OMIM 300489.
Menkes kinky-hair syndrome (MNK). Also called: Copper transport disease; Classic Menkes Disease; Menkes Disease. Identifiers: Orphanet 565, MedGen C0022716, MONDO:0010651, OMIM 309400.

Allele frequency attached by ClinVar (database versions not stated): ExAC 0.00001; gnomAD 0.00001; gnomAD exomes 0.00001 and 0.00002; TOPMed 0.00001.
gnomAD v4.1: 8 of 1,210,568 alleles (0.00066%); highest among the groups gnomAD compares: Admixed American, 0.0044%; no homozygotes.

Submissions (2):

Labcorp Genetics (formerly Invitae), Labcorp
Classification: Benign for X-linked distal spinal muscular atrophy type 3; Cutis laxa, X-linked; Menkes kinky-hair syndrome. Last evaluated: 2025-05-21. Review status: criteria provided, single submitter. Criteria: Invitae Variant Classification Sherloc (09022015). Collection method: clinical testing. Allele origin: germline.

GeneDx
Classification: Uncertain significance. Last evaluated: 2021-05-27. Review status: criteria provided, single submitter. Criteria: GeneDx Variant Classification Process June 2021. Collection method: clinical testing. Allele origin: germline. Affected: yes.
Comment: Has not been previously published as pathogenic or benign to our knowledge; In silico analysis supports that this missense variant does not alter protein structure/function; This variant is associated with the following publications: (PMID: 27535533, 33151932)

NM_000052.7(ATP7A):c.1474A>G (p.Ile492Val)

Gene: ATP7A (ATPase copper transporting alpha; plus strand). Cytogenetic location: Xq21.1.
Variant type: single nucleotide variant.
Coding change: c.1474A>G on transcript NM_000052.7 (MANE Select); coding-DNA position 1474, A replaced by G.
Protein change: p.Ile492Val; replaces isoleucine 492 with valine.
Molecular consequence: missense variant.
Genome position (GRCh38, 1-based): chrX:77,998,615, A>G. VCF-style: chrX-77998615-A-G. GRCh37 (hg19) VCF-style: chrX-77254112-A-G.
Other names: c.1474A>G, p.Ile492Val (NM_001282224.2); short protein forms I492V.
Identifiers: ClinVar variation 1326693 (VCV001326693.6), dbSNP rs781874593, ClinGen allele CA10459053.